The following is an entry in ClinVar:

ClinVar aggregate classification (germline): Uncertain significance. Review status: criteria provided, multiple submitters, no conflicts (2 of 4 stars). 2 submissions from 2 submitters: Uncertain significance (2). Last evaluated 2022-03-25.

Conditions:
Hereditary cancer-predisposing syndrome. Also called: Hereditary Cancer Syndrome; Hereditary neoplastic syndrome; Neoplastic Syndromes, Hereditary; Tumor predisposition. Identifiers: Orphanet 140162, MedGen C0027672, MeSH D009386, MONDO:0015356.

Submissions (2):

Ambry Genetics
Classification: Uncertain significance for Hereditary cancer-predisposing syndrome. Last evaluated: 2022-03-25. Review status: criteria provided, single submitter. Criteria: Ambry Variant Classification Scheme 2023. Collection method: clinical testing. Allele origin: germline.
Comment: The p.I33S variant (also known as c.98T>G), located in coding exon 1 of the RAD50 gene, results from a T to G substitution at nucleotide position 98. The isoleucine at codon 33 is replaced by serine, an amino acid with dissimilar properties. This amino acid position is not well conserved in available vertebrate species. In addition, this alteration is predicted to be tolerated by in silico analysis. Since supporting evidence is limited at this time, the clinical significance of this alteration remains unclear.

Labcorp Genetics (formerly Invitae), Labcorp
Classification: Uncertain significance for Hereditary cancer-predisposing syndrome. Last evaluated: 2022-03-23. Review status: criteria provided, single submitter. Criteria: Invitae Variant Classification Sherloc (09022015). Collection method: clinical testing. Allele origin: germline.
Comment: In summary, the available evidence is currently insufficient to determine the role of this variant in disease. Therefore, it has been classified as a Variant of Uncertain Significance. Algorithms developed to predict the effect of missense changes on protein structure and function are either unavailable or do not agree on the potential impact of this missense change (SIFT: "Deleterious"; PolyPhen-2: "Benign"; Align-GVGD: "Class C0"). ClinVar contains an entry for this variant (Variation ID: 408369). This variant has not been reported in the literature in individuals affected with RAD50-related conditions. This variant is not present in population databases (gnomAD no frequency). This sequence change replaces isoleucine, which is neutral and non-polar, with serine, which is neutral and polar, at codon 33 of the RAD50 protein (p.Ile33Ser).

NM_005732.4(RAD50):c.98T>G (p.Ile33Ser)

Gene: RAD50 (RAD50 double strand break repair protein; plus strand). Cytogenetic location: 5q31.1.
Variant type: single nucleotide variant.
Coding change: c.98T>G on transcript NM_005732.4 (MANE Select); coding-DNA position 98, T replaced by G.
Protein change: p.Ile33Ser; replaces isoleucine 33 with serine.
Molecular consequence: missense variant.
Genome position (GRCh38, 1-based): chr5:132,557,422, T>G. VCF-style: chr5-132557422-T-G. GRCh37 (hg19) VCF-style: chr5-131893114-T-G.
Other names: short protein forms I33S.
Identifiers: ClinVar variation 408369 (VCV000408369.13), dbSNP rs1060501950, ClinGen allele CA16611703.